The following is an entry in ClinVar:

NM_001360.3(DHCR7):c.1397T>C (p.Val466Ala)

Gene: DHCR7 (7-dehydrocholesterol reductase; minus strand). Cytogenetic location: 11q13.4.
Variant type: single nucleotide variant.
Coding change: c.1397T>C on transcript NM_001360.3 (MANE Select); coding-DNA position 1397, T replaced by C.
Protein change: p.Val466Ala; replaces valine 466 with alanine.
Molecular consequence: missense variant.
Genome position (GRCh38, 1-based): chr11:71,435,406, A>G on the plus strand (T>C on the coding strand, the complement: DHCR7 is on the minus strand). VCF-style: chr11-71435406-A-G. GRCh37 (hg19) VCF-style: chr11-71146452-A-G.
Other names: c.1397T>C, p.Val466Ala (NM_001163817.2); short protein forms V466A.
Identifiers: ClinVar variation 2137188 (VCV002137188.6), dbSNP rs2539207660, ClinGen allele CA381700493.
Genomic context (GRCh38, chr11:71,435,406, plus strand): 5'-CCCACAGGGCTTCTCCCTAGGGCGTGCCCTTAGAAGATTCCAGGCAGCAGGCGGTAAGGC[A>G]CTGCGGCGGTGTAGCGCTCCCAGTCCCGGCCGTACTTGCTGGCGCAGCGGTGCTCGTCCC-3'
Protein context (NP_001351.2, residues 456-475): GRDWERYTAA[Val466Ala]PYRLLPGIF

ClinVar aggregate classification (germline): Conflicting classifications of pathogenicity. Review status: criteria provided, conflicting classifications (1 of 4 stars). 3 submissions from 3 submitters: Likely pathogenic (2); Uncertain significance (1). Last evaluated 2025-11-07.

Conditions:
Smith-Lemli-Opitz syndrome (SLOS). Also called: LETHAL ACRODYSGENITAL SYNDROME; POLYDACTYLY, SEX REVERSAL, RENAL HYPOPLASIA, AND UNILOBAR LUNG; RSH SYNDROME; RUTLEDGE LETHAL MULTIPLE CONGENITAL ANOMALY SYNDROME; 7-Dehydrocholesterol reductase deficiency. Identifiers: Orphanet 818, MedGen C0175694, MONDO:0010035, OMIM 270400.

Submissions (3):

Women's Health and Genetics/Laboratory Corporation of America, LabCorp
Classification: Uncertain significance. Last evaluated: 2025-11-07. Review status: criteria provided, single submitter. Criteria: LabCorp Variant Classification Summary - May 2015. Collection method: clinical testing. Allele origin: germline.
Comment: Variant summary: DHCR7 c.1397T>C (p.Val466Ala) results in a non-conservative amino acid change in the encoded protein sequence. Algorithms developed to predict the effect of missense changes on protein structure and function all suggest that this variant is likely to be disruptive. The variant was absent in 247042 control chromosomes. c.1397T>C has been observed in the presumed compound heterozygous state in at least 1 individual(s) affected with mild Smith-Lemli-Opitz Syndrome (example, Scalco_2005). These data do not allow any conclusion about variant significance. A different variant affecting the same codon has been classified as likely pathogenic/pathogenic by our lab (c.1396G>A, p.Val466Met), supporting the critical relevance of codon 466 to DHCR7 protein function. To our knowledge, no experimental evidence demonstrating an impact on protein function has been reported. The following publications have been ascertained in the context of this evaluation (PMID: 25734025, 15952211, 23042628, 27401223). ClinVar contains an entry for this variant (Variation ID: 2137188). Based on the evidence outlined above, the variant was classified as VUS-possibly pathogenic.

Natera, Inc.
Classification: Likely pathogenic for Smith-Lemli-Opitz syndrome. Last evaluated: 2024-10-28. Review status: criteria provided, single submitter. Criteria: Natera Variant Classification Schema (03/2026). Collection method: clinical testing. Allele origin: germline.
Comment: The c.1397T>C variant in DHCR7 is a missense variant predicted to cause substitution of valine to alanine at amino acid 466. This variant is rare in the general population with a frequency below the threshold expected for the associated phenotype(s). This variant has been observed in one or more individuals affected with the associated recessive disease, as either homozygous or compound heterozygous with a second variant (PMID: 15952211). A different variant at the same position has been determined to be Pathogenic or Likely Pathogenic. Computational prediction algorithms indicate this variant is likely to affect gene or protein function. Given the available evidence, this variant is classified as Likely Pathogenic.

Labcorp Genetics (formerly Invitae), Labcorp
Classification: Likely pathogenic for Smith-Lemli-Opitz syndrome. Last evaluated: 2022-08-10. Review status: criteria provided, single submitter. Criteria: Invitae Variant Classification Sherloc (09022015). Collection method: clinical testing. Allele origin: germline.
Comment: In summary, the currently available evidence indicates that the variant is pathogenic, but additional data are needed to prove that conclusively. Therefore, this variant has been classified as Likely Pathogenic. This variant disrupts the p.Val466 amino acid residue in DHCR7. Other variant(s) that disrupt this residue have been determined to be pathogenic (PMID: 21990131, 22391996, 23042628; Invitae). This suggests that this residue is clinically significant, and that variants that disrupt this residue are likely to be disease-causing. Advanced modeling of protein sequence and biophysical properties (such as structural, functional, and spatial information, amino acid conservation, physicochemical variation, residue mobility, and thermodynamic stability) performed at Invitae indicates that this missense variant is expected to disrupt DHCR7 protein function. This missense change has been observed in individual(s) with Smith-Lemli-Opitz syndrome (PMID: 15952211). This variant is not present in population databases (gnomAD no frequency). This sequence change replaces valine, which is neutral and non-polar, with alanine, which is neutral and non-polar, at codon 466 of the DHCR7 protein (p.Val466Ala).

Literature cited by the submitters: PubMed 23042628 (cited by Women's Health and Genetics/Laboratory Corporation of America, LabCorp and Labcorp Genetics (formerly Invitae), Labcorp); PubMed 15952211 (cited by 3 submitters); PubMed 27401223 (cited by Women's Health and Genetics/Laboratory Corporation of America, LabCorp); PubMed 25734025 (cited by Women's Health and Genetics/Laboratory Corporation of America, LabCorp); PubMed 21990131 (cited by Labcorp Genetics (formerly Invitae), Labcorp); PubMed 22391996 (cited by Labcorp Genetics (formerly Invitae), Labcorp).